The following is an entry in ClinVar:

NM_001145026.2(PTPRQ):c.3407C>T (p.Thr1136Ile)

Gene: PTPRQ (protein tyrosine phosphatase receptor type Q; plus strand). Cytogenetic location: 12q21.31.
Variant type: single nucleotide variant.
Coding change: c.3407C>T on transcript NM_001145026.2 (MANE Select); coding-DNA position 3407, C replaced by T.
Protein change: p.Thr1136Ile; replaces threonine 1136 with isoleucine.
Molecular consequence: missense variant.
Genome position (GRCh38, 1-based): chr12:80,541,807, C>T. VCF-style: chr12-80541807-C-T. GRCh37 (hg19) VCF-style: chr12-80935586-C-T.
Other names: short protein forms T1136I.
Identifiers: ClinVar variation 3352940 (VCV003352940.1).

ClinVar aggregate classification (germline): Uncertain significance (0 of 4 stars; one submission).

Conditions:
PTPRQ-related disorder. Also called: PTPRQ-related condition.

gnomAD v4.1: 2 of 1,549,742 alleles (0.00013%); highest among the groups gnomAD compares: Non-Finnish European, 0.00017%; no homozygotes.

Submission:

PreventionGenetics, part of Exact Sciences
Classification: Uncertain significance for PTPRQ-related condition. Last evaluated: 2024-04-30. Review status: no assertion criteria provided. Collection method: clinical testing. Allele origin: germline.
Comment: The PTPRQ c.3407C>T variant is predicted to result in the amino acid substitution p.Thr1136IIe. To our knowledge, this variant has not been reported in the literature. This variant is reported in 0.0017% of alleles in individuals of European (Non-Finnish) descent in gnomAD. At this time, the clinical significance of this variant is uncertain due to the absence of conclusive functional and genetic evidence.